The following is an entry in ClinVar:

NM_014585.6(SLC40A1):c.1402+4A>G

Gene: SLC40A1 (solute carrier family 40 member 1; minus strand). Cytogenetic location: 2q32.2.
Variant type: single nucleotide variant.
Coding change: c.1402+4A>G on transcript NM_014585.6 (MANE Select); 4 bases into the intron after coding-DNA position 1402, A replaced by G.
Molecular consequence: intron variant.
Genome position (GRCh38, 1-based): chr2:189,563,580, T>C on the plus strand (A>G on the coding strand, the complement: SLC40A1 is on the minus strand). VCF-style: chr2-189563580-T-C. GRCh37 (hg19) VCF-style: chr2-190428306-T-C.
Identifiers: ClinVar variation 1035851 (VCV001035851.6), dbSNP rs2030824771, ClinGen allele CA1040449899.

ClinVar aggregate classification (germline): Uncertain significance (1 of 4 stars; one submission).

Conditions:
Hemochromatosis type 4 (HFE4). Also called: Ferroportin disease; HEMOCHROMATOSIS DUE TO DEFECT IN FERROPORTIN; HEMOCHROMATOSIS, AUTOSOMAL DOMINANT. Identifiers: Orphanet 139491, Orphanet 647834, Orphanet 648562, MedGen C1853733, MONDO:0011631, OMIM 606069.

Allele frequency attached by ClinVar (database versions not stated): gnomAD 0.00001; gnomAD exomes below 0.00001; TOPMed 0.00001.
gnomAD v4.1: 5 of 1,612,798 alleles (0.00031%); highest among the groups gnomAD compares: African/African-American, 0.0013%; no homozygotes.

Submission:

Labcorp Genetics (formerly Invitae), Labcorp
Classification: Uncertain significance for Hemochromatosis type 4. Last evaluated: 2020-09-28. Review status: criteria provided, single submitter. Criteria: Invitae Variant Classification Sherloc (09022015). Collection method: clinical testing. Allele origin: germline.
Comment: This sequence change falls in intron 7 of the SLC40A1 gene. It does not directly change the encoded amino acid sequence of the SLC40A1 protein, but it affects a nucleotide within the consensus splice site of the intron. This variant is not present in population databases (ExAC no frequency). This variant has not been reported in the literature in individuals with SLC40A1-related conditions. Nucleotide substitutions within the consensus splice site are a relatively common cause of aberrant splicing (PMID: 17576681, 9536098). Algorithms developed to predict the effect of sequence changes on RNA splicing suggest that this variant may disrupt the consensus splice site, but this prediction has not been confirmed by published transcriptional studies. In summary, the available evidence is currently insufficient to determine the role of this variant in disease. Therefore, it has been classified as a Variant of Uncertain Significance.

Literature cited by the submitters: PubMed 17576681; PubMed 9536098.